The following is an entry in ClinVar:

ClinVar aggregate classification (germline): Pathogenic. Review status: criteria provided, multiple submitters, no conflicts (2 of 4 stars). 9 submissions from 9 submitters: Pathogenic (8). 1 of the submissions does not count toward it. Last evaluated 2026-02-02.

Conditions:
Arthrogryposis multiplex congenita 6. Identifiers: MedGen C5543431, MONDO:0030281, OMIM 619334.
Nemaline myopathy. Also called: Myopathies, Nemaline. Identifiers: Orphanet 607, MedGen C0206157, MONDO:0018958.
Nemaline myopathy 2 (NEM2). Also called: Nemaline myopathy 2, autosomal recessive. Identifiers: MedGen C1850569, MONDO:0009725, OMIM 256030.

Submissions (9):

Labcorp Genetics (formerly Invitae), Labcorp
Classification: Pathogenic for Nemaline myopathy 2. Last evaluated: 2026-02-02. Review status: criteria provided, single submitter. Criteria: Invitae Variant Classification Sherloc (09022015). Collection method: clinical testing. Allele origin: germline.
Comment: This sequence change creates a premature translational stop signal (p.Arg8280Serfs*2) in the NEB gene. It is expected to result in an absent or disrupted protein product. Loss-of-function variants in NEB are known to be pathogenic (PMID: 25205138). The frequency data for this variant in the population databases is considered unreliable, as metrics indicate poor data quality at this position in the gnomAD database. This premature translational stop signal has been observed in individual(s) with congenital nemaline myopathy (PMID: 24725366). This variant is also known as c.24735_ 24736del. ClinVar contains an entry for this variant (Variation ID: 552874). For these reasons, this variant has been classified as Pathogenic.

Natera, Inc.
Classification: Pathogenic for Nemaline myopathy type 2. Last evaluated: 2025-07-16. Review status: criteria provided, single submitter. Criteria: Natera Variant Classification Schema (03/2026). Collection method: clinical testing. Allele origin: germline.
Comment: The c.24840_24841del variant in NEB is a frameshift variant predicted to shift the reading frame beginning at codon 8280 and leads to a stop codon 2 codons downstream. This variant is expected to result in nonsense mediated decay, truncation, or a dysfunctional protein product. This variant is rare in the general population with a frequency below the threshold expected for the associated phenotype(s). This variant has been observed in one or more individuals affected with the associated recessive disease, as either homozygous or compound heterozygous with a second variant (PMID: 24725366, 23572184). Given the available evidence, this variant is classified as Pathogenic.

Baylor Genetics
Classification: Pathogenic for Arthrogryposis multiplex congenita 6. Last evaluated: 2024-03-21. Review status: criteria provided, single submitter. Criteria: ACMG Guidelines, 2015. Collection method: clinical testing. Allele origin: unknown.

Muscle and Diseases Team, Institut de Génétique et Biologie Moléculaire et Cellulaire
Classification: Pathogenic for Nemaline myopathy. Last evaluated: 2024-03-01. Review status: criteria provided, single submitter. Criteria: ACMG Guidelines, 2015. Collection method: research. Allele origin: biparental. Affected: yes. Observed: 1 variant allele.
Comment: PVS1+PS3+PM1+PM2+PP3+PP4+PP5

Women's Health and Genetics/Laboratory Corporation of America, LabCorp
Classification: Pathogenic for Nemaline myopathy. Last evaluated: 2023-12-15. Review status: criteria provided, single submitter. Criteria: LabCorp Variant Classification Summary - May 2015. Collection method: clinical testing. Allele origin: germline.
Comment: Variant summary: NEB c.24840_24841delAG (p.Arg8280SerfsX2) results in a premature termination codon, predicted to cause a truncation of the encoded protein or absence of the protein due to nonsense mediated decay, which are commonly known mechanisms for disease. The variant allele was found at a frequency of 8.1e-06 in 247816 control chromosomes. c.24840_24841delAG has been reported in the literature in individuals affected with Nemaline Myopathy 2 (eg. Malfatti_2014). To our knowledge, no experimental evidence demonstrating an impact on protein function has been reported. Five submitters have cited clinical-significance assessments for this variant to ClinVar after 2014. All submitters classified the variant as pathogenic/likely pathogenic. Based on the evidence outlined above, the variant was classified as pathogenic.

GeneDx
Classification: Pathogenic. Last evaluated: 2023-05-23. Review status: criteria provided, single submitter. Criteria: GeneDx Variant Classification Process June 2021. Collection method: clinical testing. Allele origin: germline. Affected: yes.
Comment: Frameshift variant predicted to result in protein truncation or nonsense mediated decay in a gene for which loss of function is a known mechanism of disease; Not observed at significant frequency in large population cohorts (gnomAD); Also known as c.24735_24736delAG; This variant is associated with the following publications: (PMID: 24725366, 36714460)

Laboratorio de Genetica e Diagnostico Molecular, Hospital Israelita Albert Einstein
Classification: Pathogenic for Nemaline myopathy 2. Last evaluated: 2022-10-21. Review status: criteria provided, single submitter. Criteria: ACMG Guidelines, 2015. Collection method: clinical testing. Allele origin: germline. Affected: yes. Observed: 1 variant allele.
Comment: ACMG classification criteria: PVS1 very strong, PM2 supporting, PM3 supporting

Illumina Laboratory Services, Illumina
Classification: Pathogenic. Last evaluated: 2022-09-27. Review status: criteria provided, single submitter. Criteria: ICSL CNVClassificationCriteria Aug2020. Collection method: clinical testing. Allele origin: unknown. Affected: yes.
Comment: The NEB c.24735_24736del (p.Arg8245SerfsTer2) variant results in the deletion of two nucleotides at position c.24735, causing a shift in the protein reading frame that is predicted to result in premature termination of the protein. Loss of normal protein function through either protein truncation or nonsense-mediated mRNA decay is expected. This variant, also referred to as c.24840_24841del (p.Arg8280SerfsTer2), has been reported in a homozygous state in one individual with nemaline myopathy (PMID: 24725366). This variant is reported in the Genome Aggregation Database in three alleles at a frequency of 0.000124 in the African/African American population (version 2.1.1). Based on the available evidence, the c.24735_24736del (p.Arg8245SerfsTer2) variant is classified as pathogenic for nemaline myopathy.

Counsyl
Classification: Likely pathogenic for Nemaline myopathy 2. Last evaluated: 2017-07-14. Review status: no assertion criteria provided. Collection method: clinical testing. Allele origin: unknown. Not counted in ClinVar's aggregate classification.

Literature cited by the submitters: PubMed 25205138 (cited by Labcorp Genetics (formerly Invitae), Labcorp and Muscle and Diseases Team, Institut de Génétique et Biologie Moléculaire et Cellulaire); PubMed 24725366 (cited by 6 submitters); PubMed 23572184 (cited by Natera, Inc.); DOI 10.1186/s13073-024-01353-0 (cited by Muscle and Diseases Team, Institut de Génétique et Biologie Moléculaire et Cellulaire).

NM_001164508.2(NEB):c.24735_24736del (p.Arg8245fs)

Genes: NEB (nebulin; minus strand), RIF1 (replication timing regulatory factor 1; plus strand). Cytogenetic location: 2q23.3.
Variant type: Microsatellite.
Coding change: c.24735_24736del on transcript NM_001164508.2 (MANE Select); coding-DNA positions 24735 to 24736, 2 bases deleted (AG; older notation c.24735_24736delAG).
Protein change: p.Arg8245fs; shifts the reading frame from arginine 8245.
Molecular consequence: frameshift variant.
Genome position (GRCh38, 1-based): chr2:151,493,382-151,493,383, CT deleted on the plus strand (AG on the coding strand, the reverse complement: NEB is on the minus strand); deleting any 2 consecutive bases within chr2:151,493,382-151,493,388 gives the same sequence; the c. name uses the placement nearest the transcript's 3' end. VCF-style (leftmost placement, unchanged base first): chr2-151493381-GCT-G. GRCh37 (hg19) VCF-style: chr2-152349895-GCT-G.
Other names: c.24840_24841del (NM_001271208.1); c.24735_24736del (NM_001164507.1); c.24735_24736del, p.Arg8245fs (NM_001164507.2); c.24840_24841del, p.Arg8280fs (NM_001271208.2); c.19167_19168del, p.Arg6389fs (NM_004543.5); c.24840_24841delAG (NM_001271208.2); short protein forms R6389fs, R8245fs, R8280fs.
Identifiers: ClinVar variation 552874 (VCV000552874.23), dbSNP rs776059611, ClinGen allele CA1905937.
Genomic context (GRCh38, chr2:151,493,381, plus strand): 5'-TTGCACTATTTCTTTTTAGTCCTAGAAAATACCGAGCTAATGTTTTCTTGGTTGCGCTTA[GCT>G]CTCTCCATCTCTGGAGTAACAGGTGTCGGAGTTGCTTTTCTCATGTTCTCTTTGTACAAT-3'